The following is an entry in ClinVar:

NM_001358530.2(MOCS1):c.124-43C>T

Gene: MOCS1 (molybdenum cofactor synthesis 1; minus strand). Cytogenetic location: 6p21.2.
Variant type: single nucleotide variant.
Coding change: c.124-43C>T on transcript NM_001358530.2 (MANE Select); 43 bases into the intron before coding-DNA position 124, C replaced by T.
Molecular consequence: intron variant. On other transcripts: synonymous variant (1).
Genome position (GRCh38, 1-based): chr6:39,927,498, G>A on the plus strand (C>T on the coding strand, the complement: MOCS1 is on the minus strand). VCF-style: chr6-39927498-G-A. GRCh37 (hg19) VCF-style: chr6-39895237-G-A.
Other names: c.81C>T, p.Pro27= (NM_005943.6); c.-11-1653C>T (NM_001358531.2, NM_001358533.2); c.124-43C>T (NM_001358529.2, NM_001075098.4); c.-138-43C>T (NM_001358534.2).
Identifiers: ClinVar variation 3350977 (VCV003350977.1).

ClinVar aggregate classification (germline): Likely benign (0 of 4 stars; one submission).

Conditions:
MOCS1-related disorder. Also called: MOCS1-related condition.

gnomAD v4.1: 31 of 1,609,834 alleles (0.0019%); highest among the groups gnomAD compares: African/African-American, 0.027%; no homozygotes.

Submission:

PreventionGenetics, part of Exact Sciences
Classification: Likely benign for MOCS1-related condition. Last evaluated: 2024-03-05. Review status: no assertion criteria provided. Collection method: clinical testing. Allele origin: germline.
Comment: This variant is classified as likely benign based on ACMG/AMP sequence variant interpretation guidelines (Richards et al. 2015 PMID: 25741868, with internal and published modifications).